The following is an entry in ClinVar:

NM_001042545.2(LTBP4):c.4376C>T (p.Ala1459Val)

Gene: LTBP4 (latent transforming growth factor beta binding protein 4; plus strand). Cytogenetic location: 19q13.2.
Variant type: single nucleotide variant.
Coding change: c.4376C>T on transcript NM_001042545.2 (MANE Select); coding-DNA position 4376, C replaced by T.
Protein change: p.Ala1459Val; replaces alanine 1459 with valine.
Molecular consequence: missense variant.
Genome position (GRCh38, 1-based): chr19:40,627,714, C>T. VCF-style: chr19-40627714-C-T. GRCh37 (hg19) VCF-style: chr19-41133619-C-T.
Other names: c.4577C>T, p.Ala1526Val (NM_001042544.1); c.4466C>T, p.Ala1489Val (NM_003573.2); short protein forms A1526V, A1459V, A1489V.
Identifiers: ClinVar variation 1929771 (VCV001929771.5), dbSNP rs2515398279, ClinGen allele CA405912316.
Genomic context (GRCh38, chr19:40,627,714, plus strand): 5'-AAGGGGTGAAGGCAGGGACCTCAAGTCATAGGGTCCCCGCATTTCCCACAGGTTCCCTGG[C>T]TGAGCCCTACGAGGAGCTGGAGGCGGAGGAGTGCGGGATCCTGGACGGCTGCACCAACGG-3'
Protein context (NP_001036010.1, residues 1449-1469): PEGGSYAGSL[Ala1459Val]EPYEELEAEE

ClinVar aggregate classification (germline): Uncertain significance (1 of 4 stars; one submission).

gnomAD v4.1: 1 of 1,594,644 alleles (0.000063%); highest among the groups gnomAD compares: Non-Finnish European, 0.000085%; no homozygotes.

Submission:

Labcorp Genetics (formerly Invitae), Labcorp
Classification: Uncertain significance. Last evaluated: 2022-01-27. Review status: criteria provided, single submitter. Criteria: Invitae Variant Classification Sherloc (09022015). Collection method: clinical testing. Allele origin: germline.
Comment: In summary, the available evidence is currently insufficient to determine the role of this variant in disease. Therefore, it has been classified as a Variant of Uncertain Significance. Experimental studies and prediction algorithms are not available or were not evaluated, and the functional significance of this variant is currently unknown. This variant has not been reported in the literature in individuals affected with LTBP4-related conditions. This variant is not present in population databases (gnomAD no frequency). This sequence change replaces alanine, which is neutral and non-polar, with valine, which is neutral and non-polar, at codon 1489 of the LTBP4 protein (p.Ala1489Val).